The following is an entry in ClinVar:

NM_015046.7(SETX):c.968G>A (p.Ser323Asn)

Gene: SETX (senataxin; minus strand). Cytogenetic location: 9q34.13.
Variant type: single nucleotide variant.
Coding change: c.968G>A on transcript NM_015046.7 (MANE Select); coding-DNA position 968, G replaced by A.
Protein change: p.Ser323Asn; replaces serine 323 with asparagine.
Molecular consequence: missense variant.
Genome position (GRCh38, 1-based): chr9:132,331,319, C>T on the plus strand (G>A on the coding strand, the complement: SETX is on the minus strand). VCF-style: chr9-132331319-C-T. GRCh37 (hg19) VCF-style: chr9-135206706-C-T.
Other names: p.Ser323Asn; c.968G>A, p.Ser323Asn (NM_001351527.2, NM_001351528.2); short protein forms S323N.
Identifiers: ClinVar variation 536383 (VCV000536383.41), dbSNP rs372193033, ClinGen allele CA5297886.

ClinVar aggregate classification (germline): Conflicting classifications of pathogenicity. Review status: criteria provided, conflicting classifications (1 of 4 stars). 8 submissions from 8 submitters: Uncertain significance (6); Likely benign (2). Last evaluated 2026-03-26.

Conditions:
SETX-related disorder. Also called: SETX-related disorders; SETX-related condition. Identifiers: MedGen CN239403.
Inborn genetic diseases. Identifiers: MedGen C0950123, MeSH D030342.
Spinocerebellar ataxia, autosomal recessive, with axonal neuropathy 2 (SCAN2). Also called: Ataxia-ocular apraxia-2; Ataxia with Oculomotor Apraxia; Ataxia with Oculomotor Apraxia Type 2; ATAXIA-OCULOMOTOR APRAXIA 2. Identifiers: Orphanet 64753, MedGen C1853761, MONDO:0018996, OMIM 606002.
Amyotrophic lateral sclerosis type 4 (ALS4). Also called: AMYOTROPHIC LATERAL SCLEROSIS 4, JUVENILE; NEURONOPATHY, DISTAL HEREDITARY MOTOR, WITH PYRAMIDAL FEATURES. Identifiers: Orphanet 357043, MedGen C1865409, MONDO:0011223, OMIM 602433.

Allele frequency attached by ClinVar (database versions not stated): ESP Exome Variant Server 0.00008; TOPMed 0.00013; gnomAD 0.00017 and 0.00019; gnomAD exomes 0.00022 and 0.00023; ExAC 0.00024.
gnomAD v4.1: 358 of 1,613,980 alleles (0.022%); highest among the groups gnomAD compares: Non-Finnish European, 0.028%; no homozygotes.

Submissions (8):

PreventionGenetics, part of Exact Sciences
Classification: Uncertain significance for SETX-related condition. Last evaluated: 2026-03-26. Review status: criteria provided, single submitter. Criteria: ACMG Guidelines, 2015. Collection method: clinical testing. Allele origin: germline.
Comment: The SETX c.968G>A variant is predicted to result in the amino acid substitution p.Ser323Asn. This variant has been reported in two individuals with amyotrophic lateral sclerosis, with one individual also harboring a missense variant in DCTN1 (Cady et al. 2015. PubMed ID: 25382069, Table 2 and Table 4). This variant is reported in 0.039% of alleles in individuals of European (Non-Finnish) descent in gnomAD and has conflicting interpretations of pathogenicity in ClinVar ranging from likely benign to uncertain significance (ClinVar ID: 536383). At this time, the clinical significance of this variant is uncertain due to the absence of conclusive functional and genetic evidence.

Labcorp Genetics (formerly Invitae), Labcorp
Classification: Likely benign for Amyotrophic lateral sclerosis type 4; Spinocerebellar ataxia, autosomal recessive, with axonal neuropathy 2. Last evaluated: 2025-10-13. Review status: criteria provided, single submitter. Criteria: Invitae Variant Classification Sherloc (09022015). Collection method: clinical testing. Allele origin: germline.

Mayo Clinic Laboratories, Mayo Clinic
Classification: Uncertain significance. Last evaluated: 2024-12-17. Review status: criteria provided, single submitter. Criteria: ACMG Guidelines, 2015. Collection method: clinical testing. Allele origin: germline. Observed: 2 variant alleles.
Comment: BP4, PM2_moderate

Blueprint Genetics
Classification: Uncertain significance. Last evaluated: 2024-11-19. Review status: criteria provided, single submitter. Criteria: ACMG Guidelines, 2015. Collection method: clinical testing. Allele origin: germline.

GeneDx
Classification: Uncertain significance. Last evaluated: 2024-08-25. Review status: criteria provided, single submitter. Criteria: GeneDx Variant Classification Process June 2021. Collection method: clinical testing. Allele origin: germline.
Comment: Previously reported in an individual with apparently sporadic ALS, who also harbored a variant in a different gene associated with ALS (PMID: 25382069); In silico analysis indicates that this missense variant does not alter protein structure/function; This variant is associated with the following publications: (PMID: 25869998, 29605155, 25382069)

Ambry Genetics
Classification: Uncertain significance for Inborn genetic diseases. Last evaluated: 2022-12-02. Review status: criteria provided, single submitter. Criteria: Ambry Variant Classification Scheme 2023. Collection method: clinical testing. Allele origin: germline.
Comment: Unlikely to be causative of SETX-related juvenile amyotrophic lateral sclerosis (AD) Based on insufficient or conflicting evidence, the clinical significance of this alteration remains unclear.

CeGaT Center for Human Genetics Tuebingen
Classification: Uncertain significance. Last evaluated: 2022-09-01. Review status: criteria provided, single submitter. Criteria: CeGaT Center For Human Genetics Tuebingen Variant Classification Criteria Version 2. Collection method: clinical testing. Allele origin: germline. Affected: yes. Observed: 1 variant allele.
Comment: SETX: PM2

Athena Diagnostics
Classification: Likely benign. Last evaluated: 2021-02-24. Review status: criteria provided, single submitter. Criteria: Athena Diagnostics criteria. Collection method: clinical testing. Allele origin: unknown.

Literature cited by the submitters: PubMed 25382069 (cited by Mayo Clinic Laboratories, Mayo Clinic and Ambry Genetics).